The following is an entry in ClinVar:

ClinVar aggregate classification (germline): Likely benign. Review status: criteria provided, multiple submitters, no conflicts (2 of 4 stars). 4 submissions from 4 submitters: Likely benign (3). 1 of the submissions does not count toward it. Last evaluated 2025-12-31.

Conditions:
Hajdu-Cheney syndrome (HJCYS). Also called: Acroosteolysis dominant type; ACROOSTEOLYSIS WITH OSTEOPOROSIS AND CHANGES IN SKULL AND MANDIBLE; SERPENTINE FIBULA-POLYCYSTIC KIDNEY SYNDROME. Identifiers: Orphanet 955, MedGen C0917715, MONDO:0007057, OMIM 102500.
NOTCH2-related disorder. Also called: NOTCH2-related condition.

Allele frequency attached by ClinVar (database versions not stated): TOPMed 0.00004; gnomAD exomes 0.00007 and 0.00009; ExAC 0.00009; gnomAD 0.00009.
gnomAD v4.1: 118 of 1,610,072 alleles (0.0073%); highest among the groups gnomAD compares: Non-Finnish European, 0.0048%; no homozygotes.

Submissions (4):

Labcorp Genetics (formerly Invitae), Labcorp
Classification: Likely benign for Hajdu-Cheney syndrome. Last evaluated: 2025-12-31. Review status: criteria provided, single submitter. Criteria: Invitae Variant Classification Sherloc (09022015). Collection method: clinical testing. Allele origin: germline.

Blueprint Genetics
Classification: Likely benign. Last evaluated: 2024-11-22. Review status: criteria provided, single submitter. Criteria: ACMG Guidelines, 2015. Collection method: clinical testing. Allele origin: germline.

CeGaT Center for Human Genetics Tuebingen
Classification: Likely benign. Last evaluated: 2024-11-01. Review status: criteria provided, single submitter. Criteria: CeGaT Center For Human Genetics Tuebingen Variant Classification Criteria Version 2. Collection method: clinical testing. Allele origin: germline. Affected: yes. Observed: 2 variant alleles.
Comment: NOTCH2: BP4, BP7

PreventionGenetics, part of Exact Sciences
Classification: Likely benign for NOTCH2-related condition. Last evaluated: 2024-06-01. Review status: no assertion criteria provided. Collection method: clinical testing. Allele origin: germline. Not counted in ClinVar's aggregate classification.
Comment: This variant is classified as likely benign based on ACMG/AMP sequence variant interpretation guidelines (Richards et al. 2015 PMID: 25741868, with internal and published modifications).

NM_024408.4(NOTCH2):c.6945T>C (p.Ile2315=)

Gene: NOTCH2 (notch receptor 2; minus strand). Cytogenetic location: 1p12.
Variant type: single nucleotide variant.
Coding change: c.6945T>C on transcript NM_024408.4 (MANE Select); coding-DNA position 6945, T replaced by C.
Protein change: p.Ile2315=; no amino-acid change (isoleucine 2315 retained).
Molecular consequence: synonymous variant.
Genome position (GRCh38, 1-based): chr1:119,915,777, A>G on the plus strand (T>C on the coding strand, the complement: NOTCH2 is on the minus strand). VCF-style: chr1-119915777-A-G. GRCh37 (hg19) VCF-style: chr1-120458400-A-G.
Other names: c.6945T>C (NM_024408.3).
Identifiers: ClinVar variation 1587176 (VCV001587176.24), dbSNP rs771232139, ClinGen allele CA1039350.
Genomic context (GRCh38, chr1:119,915,777, plus strand): 5'-GGGGCCCGCAACAGCTGGAGGGCAGGTGGACTGAGGCTGGGGAGCCCCCGCTGGTTGGGC[A>G]ATACTGCCTTTAGGGATGAGCTGGAAAGTCACAATGGGGGGCAAGGGCTCCCGAGGGGTG-3'
Protein context (NP_077719.2, residues 2305-2325): VTFQLIPKGS[Ile2315=]AQPAGAPQPQ